The following is an entry in ClinVar:

ClinVar aggregate classification (germline): Uncertain significance. Review status: criteria provided, multiple submitters, no conflicts (2 of 4 stars). 3 submissions from 3 submitters: Uncertain significance (3). Last evaluated 2024-06-22.

Conditions:
Cardiovascular phenotype. Identifiers: MedGen CN230736.
Dilated cardiomyopathy 1JJ (CMD1JJ). Identifiers: Orphanet 154, MedGen C3808935, MONDO:0014095, OMIM 615235.

Allele frequency attached by ClinVar (database versions not stated): TOPMed below 0.00001; ExAC 0.00007.
gnomAD v4.1: 99 of 1,613,926 alleles (0.0061%); highest among the groups gnomAD compares: Middle Eastern, 0.033%; 1 homozygote.

Submissions (3):

Ambry Genetics
Classification: Uncertain significance for Cardiovascular phenotype. Last evaluated: 2024-06-22. Review status: criteria provided, single submitter. Criteria: Ambry Variant Classification Scheme 2023. Collection method: clinical testing. Allele origin: germline.
Comment: The p.R864W variant (also known as c.2590C>T), located in coding exon 19 of the LAMA4 gene, results from a C to T substitution at nucleotide position 2590. The arginine at codon 864 is replaced by tryptophan, an amino acid with dissimilar properties. This amino acid position is conserved. In addition, this alteration is predicted to be tolerated by in silico analysis. Since supporting evidence is limited at this time, the clinical significance of this alteration remains unclear.

Labcorp Genetics (formerly Invitae), Labcorp
Classification: Uncertain significance for Dilated cardiomyopathy 1JJ. Last evaluated: 2023-02-21. Review status: criteria provided, single submitter. Criteria: Invitae Variant Classification Sherloc (09022015). Collection method: clinical testing. Allele origin: germline.
Comment: In summary, the available evidence is currently insufficient to determine the role of this variant in disease. Therefore, it has been classified as a Variant of Uncertain Significance. An algorithm developed to predict the effect of missense changes on protein structure and function (PolyPhen-2) suggests that this variant is likely to be disruptive. ClinVar contains an entry for this variant (Variation ID: 650166). This variant has not been reported in the literature in individuals affected with LAMA4-related conditions. This variant is present in population databases (rs782774293, gnomAD 0.02%). This sequence change replaces arginine, which is basic and polar, with tryptophan, which is neutral and slightly polar, at codon 864 of the LAMA4 protein (p.Arg864Trp).

Revvity Omics, Revvity
Classification: Uncertain significance for Dilated cardiomyopathy 1JJ. Last evaluated: 2020-04-02. Review status: criteria provided, single submitter. Criteria: ACMG Guidelines, 2015. Collection method: clinical testing. Allele origin: germline.

NM_001105206.3(LAMA4):c.2611C>T (p.Arg871Trp)

Gene: LAMA4 (laminin subunit alpha 4; minus strand). Cytogenetic location: 6q21.
Variant type: single nucleotide variant.
Coding change: c.2611C>T on transcript NM_001105206.3 (MANE Select); coding-DNA position 2611, C replaced by T.
Protein change: p.Arg871Trp; replaces arginine 871 with tryptophan.
Molecular consequence: missense variant.
Genome position (GRCh38, 1-based): chr6:112,142,175, G>A on the plus strand (C>T on the coding strand, the complement: LAMA4 is on the minus strand). VCF-style: chr6-112142175-G-A. GRCh37 (hg19) VCF-style: chr6-112463377-G-A.
Other names: c.2590C>T, p.Arg864Trp (NM_001105207.3, NM_002290.5); short protein forms R871W, R864W.
Identifiers: ClinVar variation 650166 (VCV000650166.14), dbSNP rs782774293, ClinGen allele CA3965435.